The following is an entry in ClinVar:

ClinVar aggregate classification (germline): Pathogenic (1 of 4 stars; one submission).

Conditions:
Hyperprolinemia type 2 (HYRPRO2). Also called: 1-PYRROLINE-5-CARBOXYLATE DEHYDROGENASE DEFICIENCY; Deficiency of pyrroline-5-carboxylate reductase; Delta-1-pyrroline-5-carboxylate dehydrogenase deficiency. Identifiers: Orphanet 79101, MedGen C2931835, MONDO:0009401, OMIM 239510.

Submission:

Labcorp Genetics (formerly Invitae), Labcorp
Classification: Pathogenic for Hyperprolinemia type 2. Last evaluated: 2024-05-23. Review status: criteria provided, single submitter. Criteria: Invitae Variant Classification Sherloc (09022015). Collection method: clinical testing. Allele origin: germline.
Comment: This sequence change creates a premature translational stop signal (p.Gln151*) in the ALDH4A1 gene. It is expected to result in an absent or disrupted protein product. Loss-of-function variants in ALDH4A1 are known to be pathogenic (PMID: 956388, 4369405, 9700195). This variant is not present in population databases (gnomAD no frequency). This variant has not been reported in the literature in individuals affected with ALDH4A1-related conditions. For these reasons, this variant has been classified as Pathogenic.

Literature cited by the submitters: PubMed 956388; PubMed 4369405; PubMed 9700195.

NM_003748.4(ALDH4A1):c.451C>T (p.Gln151Ter)

Gene: ALDH4A1 (aldehyde dehydrogenase 4 family member A1; minus strand). Cytogenetic location: 1p36.13.
Variant type: single nucleotide variant.
Coding change: c.451C>T on transcript NM_003748.4 (MANE Select); coding-DNA position 451, C replaced by T.
Protein change: p.Gln151Ter; replaces glutamine 151 with a stop codon.
Molecular consequence: nonsense.
Genome position (GRCh38, 1-based): chr1:18,885,475, G>A on the plus strand (C>T on the coding strand, the complement: ALDH4A1 is on the minus strand). VCF-style: chr1-18885475-G-A. GRCh37 (hg19) VCF-style: chr1-19211969-G-A.
Other names: c.271C>T, p.Gln91Ter (NM_001161504.2); c.451C>T, p.Gln151Ter (NM_001319218.2, NM_170726.3); short protein forms Q151*, Q91*.
Identifiers: ClinVar variation 3633307 (VCV003633307.2).